The following is an entry in ClinVar:

ClinVar aggregate classification (germline): Conflicting classifications of pathogenicity. Review status: criteria provided, conflicting classifications (1 of 4 stars). 2 submissions from 2 submitters: Uncertain significance (1); Likely benign (1). Last evaluated 2024-08-31.

Conditions:
Hereditary sensory and autonomic neuropathy type 7. Also called: Neuropathy, hereditary sensory and autonomic, type VII; HSAN VII. Identifiers: Orphanet 391397, MedGen C3809882, MONDO:0014244, OMIM 615548.
Familial episodic pain syndrome with predominantly lower limb involvement. Also called: Episodic pain syndrome, familial, 3. Identifiers: Orphanet 391384, Orphanet 391392, MedGen C3809899, MONDO:0014247, OMIM 615552.
Inborn genetic diseases. Identifiers: MedGen C0950123, MeSH D030342.

Allele frequency attached by ClinVar (database versions not stated): gnomAD exomes 0.00002; ExAC 0.00007; ESP Exome Variant Server 0.00008; 1000 Genomes Project 30x 0.00016; 1000 Genomes Project 0.00020; TOPMed 0.00020; gnomAD 0.00023.
gnomAD v4.1: 60 of 1,611,536 alleles (0.0037%); highest among the groups gnomAD compares: Admixed American, 0.06%; no homozygotes.

Submissions (2):

Labcorp Genetics (formerly Invitae), Labcorp
Classification: Uncertain significance for Familial episodic pain syndrome with predominantly lower limb involvement; Hereditary sensory and autonomic neuropathy type 7. Last evaluated: 2024-08-31. Review status: criteria provided, single submitter. Criteria: Invitae Variant Classification Sherloc (09022015). Collection method: clinical testing. Allele origin: germline.
Comment: This sequence change replaces isoleucine, which is neutral and non-polar, with threonine, which is neutral and polar, at codon 1441 of the SCN11A protein (p.Ile1441Thr). This variant is present in population databases (rs151100517, gnomAD 0.05%), and has an allele count higher than expected for a pathogenic variant. This variant has not been reported in the literature in individuals affected with SCN11A-related conditions. ClinVar contains an entry for this variant (Variation ID: 1928733). Invitae Evidence Modeling of protein sequence and biophysical properties (such as structural, functional, and spatial information, amino acid conservation, physicochemical variation, residue mobility, and thermodynamic stability) indicates that this missense variant is expected to disrupt SCN11A protein function with a positive predictive value of 80%. In summary, the available evidence is currently insufficient to determine the role of this variant in disease. Therefore, it has been classified as a Variant of Uncertain Significance.

Ambry Genetics
Classification: Likely benign for Inborn genetic diseases. Last evaluated: 2024-08-12. Review status: criteria provided, single submitter. Criteria: Ambry Variant Classification Scheme 2023. Collection method: clinical testing. Allele origin: germline.

NM_001349253.2(SCN11A):c.4322T>C (p.Ile1441Thr)

Gene: SCN11A (sodium voltage-gated channel alpha subunit 11; minus strand). Cytogenetic location: 3p22.2.
Variant type: single nucleotide variant.
Coding change: c.4322T>C on transcript NM_001349253.2 (MANE Select); coding-DNA position 4322, T replaced by C.
Protein change: p.Ile1441Thr; replaces isoleucine 1441 with threonine.
Molecular consequence: missense variant.
Genome position (GRCh38, 1-based): chr3:38,850,486, A>G on the plus strand (T>C on the coding strand, the complement: SCN11A is on the minus strand). VCF-style: chr3-38850486-A-G. GRCh37 (hg19) VCF-style: chr3-38891977-A-G.
Other names: c.4322T>C (NM_014139.2); c.4322T>C, p.Ile1441Thr (NM_014139.3); short protein forms I1441T.
Identifiers: ClinVar variation 1928733 (VCV001928733.6), dbSNP rs151100517, ClinGen allele CA2321555.